The following is an entry in ClinVar:

ClinVar aggregate classification (germline): Uncertain significance (1 of 4 stars; one submission).

Allele frequency attached by ClinVar (database versions not stated): gnomAD exomes below 0.00001; TOPMed 0.00002.
gnomAD v4.1: 3 of 1,539,328 alleles (0.00019%); highest among the groups gnomAD compares: East Asian, 0.0024%; no homozygotes.

Submission:

Labcorp Genetics (formerly Invitae), Labcorp
Classification: Uncertain significance. Last evaluated: 2023-05-18. Review status: criteria provided, single submitter. Criteria: Invitae Variant Classification Sherloc (09022015). Collection method: clinical testing. Allele origin: germline.
Comment: This sequence change falls in intron 11 of the TOP2B gene. It does not directly change the encoded amino acid sequence of the TOP2B protein. It affects a nucleotide within the consensus splice site. This variant is not present in population databases (gnomAD no frequency). This variant has not been reported in the literature in individuals affected with TOP2B-related conditions. Variants that disrupt the consensus splice site are a relatively common cause of aberrant splicing (PMID: 17576681, 9536098). Algorithms developed to predict the effect of sequence changes on RNA splicing suggest that this variant is not likely to affect RNA splicing. In summary, the available evidence is currently insufficient to determine the role of this variant in disease. Therefore, it has been classified as a Variant of Uncertain Significance.

Literature cited by the submitters: PubMed 17576681; PubMed 9536098.

NM_001330700.2(TOP2B):c.1405+6A>G

Gene: TOP2B (DNA topoisomerase II beta; minus strand). Cytogenetic location: 3p24.2.
Variant type: single nucleotide variant.
Coding change: c.1405+6A>G on transcript NM_001330700.2 (MANE Select); 6 bases into the intron after coding-DNA position 1405, A replaced by G.
Molecular consequence: intron variant.
Genome position (GRCh38, 1-based): chr3:25,630,795, T>C on the plus strand (A>G on the coding strand, the complement: TOP2B is on the minus strand). VCF-style: chr3-25630795-T-C. GRCh37 (hg19) VCF-style: chr3-25672286-T-C.
Other names: c.1390+6A>G (NM_001068.3).
Identifiers: ClinVar variation 2865435 (VCV002865435.3), dbSNP rs1428762494, ClinGen allele CA905643143.